The following is an entry in ClinVar:

NM_001366385.1(CARD14):c.2917G>C (p.Asp973His)

Genes: CARD14 (caspase recruitment domain family member 14; plus strand), SGSH (N-sulfoglucosamine sulfohydrolase; minus strand). Cytogenetic location: 17q25.3.
Variant type: single nucleotide variant.
Coding change: c.2917G>C on transcript NM_001366385.1 (MANE Select); coding-DNA position 2917, G replaced by C.
Protein change: p.Asp973His; replaces aspartic acid 973 with histidine.
Molecular consequence: missense variant. On other transcripts: non-coding transcript variant (1).
Genome position (GRCh38, 1-based): chr17:80,208,247, G>C. VCF-style: chr17-80208247-G-C. GRCh37 (hg19) VCF-style: chr17-78182046-G-C.
Other names: c.2917G>C, p.Asp973His (NM_024110.4); short protein forms D973H.
Identifiers: ClinVar variation 960584 (VCV000960584.7), dbSNP rs2041459131, ClinGen allele CA401357603.

ClinVar aggregate classification (germline): Uncertain significance (1 of 4 stars; one submission).

Conditions:
Psoriasis 2. Identifiers: MedGen C1864497, MONDO:0011269, OMIM 602723.
Pityriasis rubra pilaris (PRP). Also called: Pityriasis rubra pilaris--familial type. Identifiers: Orphanet 2897, MedGen C0032027, MONDO:0100017, OMIM 173200, MONDO:0008251.

Submission:

Labcorp Genetics (formerly Invitae), Labcorp
Classification: Uncertain significance for Pityriasis rubra pilaris; Psoriasis 2. Last evaluated: 2026-01-27. Review status: criteria provided, single submitter. Criteria: Invitae Variant Classification Sherloc (09022015). Collection method: clinical testing. Allele origin: germline.
Comment: This sequence change replaces aspartic acid, which is acidic and polar, with histidine, which is basic and polar, at codon 973 of the CARD14 protein (p.Asp973His). This variant is not present in population databases (gnomAD no frequency). This variant has not been reported in the literature in individuals affected with CARD14-related conditions. ClinVar contains an entry for this variant (Variation ID: 960584). Invitae Evidence Modeling of protein sequence and biophysical properties (such as structural, functional, and spatial information, amino acid conservation, physicochemical variation, residue mobility, and thermodynamic stability) indicates that this missense variant is not expected to disrupt CARD14 protein function with a negative predictive value of 95%. In summary, the available evidence is currently insufficient to determine the role of this variant in disease. Therefore, it has been classified as a Variant of Uncertain Significance.